The following is an entry in ClinVar:

NM_030665.4(RAI1):c.2575A>C (p.Thr859Pro)

Gene: RAI1 (retinoic acid induced 1; plus strand). Cytogenetic location: 17p11.2.
Variant type: single nucleotide variant.
Coding change: c.2575A>C on transcript NM_030665.4 (MANE Select); coding-DNA position 2575, A replaced by C.
Protein change: p.Thr859Pro; replaces threonine 859 with proline.
Molecular consequence: missense variant.
Genome position (GRCh38, 1-based): chr17:17,795,523, A>C. VCF-style: chr17-17795523-A-C. GRCh37 (hg19) VCF-style: chr17-17698837-A-C.
Other names: short protein forms T859P.
Identifiers: ClinVar variation 1723704 (VCV001723704.2), dbSNP rs2508582331, ClinGen allele CA398551537.

ClinVar aggregate classification (germline): Uncertain significance (1 of 4 stars; one submission).

Submission:

GeneDx
Classification: Uncertain significance. Last evaluated: 2022-05-12. Review status: criteria provided, single submitter. Criteria: GeneDx Variant Classification Process June 2021. Collection method: clinical testing. Allele origin: germline. Affected: yes.
Comment: Not observed at significant frequency in large population cohorts (gnomAD); In silico analysis supports that this missense variant does not alter protein structure/function; Has not been previously published as pathogenic or benign to our knowledge